The following is an entry in ClinVar:

ClinVar aggregate classification (germline): Pathogenic/Likely pathogenic. Review status: criteria provided, multiple submitters, no conflicts (2 of 4 stars). 4 submissions from 4 submitters: Pathogenic (3); Likely pathogenic (1). Last evaluated 2026-07-31.

Conditions:
Cardiovascular phenotype. Identifiers: MedGen CN230736.
Hereditary cancer-predisposing syndrome. Also called: Hereditary Cancer Syndrome; Tumor predisposition; Hereditary neoplastic syndrome; Neoplastic Syndromes, Hereditary. Identifiers: Orphanet 140162, MedGen C0027672, MeSH D009386, MONDO:0015356.
Neurofibromatosis, type 1 (NF1). Also called: Peripheral type neurofibromatosis; Neurofibromatosis, type I; VON RECKLINGHAUSEN DISEASE; NEUROFIBROMATOSIS, TYPE I, SOMATIC. Identifiers: Orphanet 636, MedGen C0027831, MONDO:0018975, OMIM 162200. Disease mechanism: loss of function.

Submissions (4):

Ambry Genetics
Classification: Likely pathogenic for Cardiovascular phenotype; Hereditary cancer-predisposing syndrome. Last evaluated: 2026-07-31. Review status: criteria provided, single submitter. Criteria: Ambry Variant Classification Scheme 2023. Collection method: clinical testing. Allele origin: germline.
Comment: The c.1722-1G>A intronic variant results from a G to A substitution one nucleotide upstream from coding exon 16 of the NF1 gene. This variant was reported in individual(s) with features consistent with neurofibromatosis type 1 (Ambry internal data). This nucleotide position is highly conserved in available vertebrate species. In silico splice site analysis predicts that this alteration will weaken the native splice acceptor site and may result in the creation or strengthening of a novel splice acceptor site; however, direct evidence is insufficient at this time (Ambry internal data). This variant is considered to be rare based on population cohorts in the Genome Aggregation Database (gnomAD). Alterations that disrupt the canonical splice site are expected to cause aberrant splicing, resulting in an abnormal protein or a transcript that is subject to nonsense-mediated mRNA decay. As such, this alteration is classified as likely pathogenic.

GeneDx
Classification: Pathogenic. Last evaluated: 2025-07-20. Review status: criteria provided, single submitter. Criteria: GeneDx Variant Classification Process June 2021. Collection method: clinical testing. Allele origin: germline. Affected: yes.
Comment: Canonical splice site variant predicted to result in a null allele in a gene for which loss of function is a known mechanism of disease; Not observed at significant frequency in large population cohorts (gnomAD); Also known as IVS15-1G>A; This variant is associated with the following publications: (PMID: 23010473, 10543400, 29685074)

Labcorp Genetics (formerly Invitae), Labcorp
Classification: Pathogenic for Neurofibromatosis, type 1. Last evaluated: 2024-05-06. Review status: criteria provided, single submitter. Criteria: Invitae Variant Classification Sherloc (09022015). Collection method: clinical testing. Allele origin: germline.
Comment: This sequence change affects an acceptor splice site in intron 15 of the NF1 gene. It is expected to disrupt RNA splicing. Variants that disrupt the donor or acceptor splice site typically lead to a loss of protein function (PMID: 16199547), and loss-of-function variants in NF1 are known to be pathogenic (PMID: 10712197, 23913538). This variant is not present in population databases (gnomAD no frequency). Disruption of this splice site has been observed in individuals with neurofibromatosis type 1 (PMID: 17311297, 29685074; Invitae). ClinVar contains an entry for this variant (Variation ID: 561743). Algorithms developed to predict the effect of sequence changes on RNA splicing suggest that this variant may disrupt the consensus splice site. For these reasons, this variant has been classified as Pathogenic.

Genome-Nilou Lab
Classification: Pathogenic for Neurofibromatosis, type 1. Last evaluated: 2022-03-15. Review status: criteria provided, single submitter. Criteria: ACMG Guidelines, 2015. Collection method: clinical testing. Allele origin: germline. Affected: no.

Literature cited by the submitters: PubMed 16199547 (cited by Labcorp Genetics (formerly Invitae), Labcorp); PubMed 10712197 (cited by Labcorp Genetics (formerly Invitae), Labcorp); PubMed 23913538 (cited by Labcorp Genetics (formerly Invitae), Labcorp); PubMed 17311297 (cited by Labcorp Genetics (formerly Invitae), Labcorp); PubMed 29685074 (cited by Labcorp Genetics (formerly Invitae), Labcorp).

NM_001042492.3(NF1):c.1722-1G>A

Gene: NF1 (neurofibromin 1; plus strand). Cytogenetic location: 17q11.2.
Variant type: single nucleotide variant.
Coding change: c.1722-1G>A on transcript NM_001042492.3 (MANE Select); the canonical splice acceptor site of the intron before coding-DNA position 1722, G replaced by A.
Molecular consequence: splice acceptor variant.
Genome position (GRCh38, 1-based): chr17:31,223,443, G>A. VCF-style: chr17-31223443-G-A. GRCh37 (hg19) VCF-style: chr17-29550461-G-A.
Other names: c.1722-1G>A (NM_000267.4).
Identifiers: ClinVar variation 561743 (VCV000561743.15), dbSNP rs1567845818, ClinGen allele CA399003940.
Genomic context (GRCh38, chr17:31,223,443, plus strand): 5'-TGGTTATATCTGCATTAGGTTATTGATGATGCTAGTAACAATGAACTTTATGTTACTGCA[G>A]CTCACAAATGCTTTTTTACATCTGCAAGAAATTAACTAGTCATCAAATGCTTAGTAGCAC-3'